The following is an entry in ClinVar:

ClinVar aggregate classification (germline): Uncertain significance (1 of 4 stars; one submission).

Conditions:
Hereditary breast ovarian cancer syndrome. Also called: Hereditary breast and ovarian cancer syndrome; Hereditary breast and ovarian cancer syndrome (HBOC); BRCA1- and BRCA2-Associated Hereditary Breast and Ovarian Cancer; Hereditary breast and ovarian cancer; Breast and ovarian cancer; Hereditary breast and/or ovarian cancer syndrome. Identifiers: Orphanet 145, MedGen C0677776, MeSH D061325, MONDO:0003582. Disease mechanism: loss of function.

Submission:

Labcorp Genetics (formerly Invitae), Labcorp
Classification: Uncertain significance for Hereditary breast ovarian cancer syndrome. Last evaluated: 2024-04-16. Review status: criteria provided, single submitter. Criteria: Invitae Variant Classification Sherloc (09022015). Collection method: clinical testing. Allele origin: germline.
Comment: This sequence change replaces aspartic acid, which is acidic and polar, with tyrosine, which is neutral and polar, at codon 366 of the BRCA1 protein (p.Asp366Tyr). This variant is not present in population databases (gnomAD no frequency). This variant has not been reported in the literature in individuals affected with BRCA1-related conditions. Advanced modeling of protein sequence and biophysical properties (such as structural, functional, and spatial information, amino acid conservation, physicochemical variation, residue mobility, and thermodynamic stability) performed at Invitae indicates that this missense variant is not expected to disrupt BRCA1 protein function with a negative predictive value of 95%. In summary, the available evidence is currently insufficient to determine the role of this variant in disease. Therefore, it has been classified as a Variant of Uncertain Significance.

NM_007294.4(BRCA1):c.1096G>T (p.Asp366Tyr)

Gene: BRCA1 (BRCA1 DNA repair associated; minus strand). Cytogenetic location: 17q21.31.
Variant type: single nucleotide variant.
Coding change: c.1096G>T on transcript NM_007294.4 (MANE Select); coding-DNA position 1096, G replaced by T.
Protein change: p.Asp366Tyr; replaces aspartic acid 366 with tyrosine.
Molecular consequence: missense variant. On other transcripts: intron variant (137).
Genome position (GRCh38, 1-based): chr17:43,094,435, C>A on the plus strand (G>T on the coding strand, the complement: BRCA1 is on the minus strand). VCF-style: chr17-43094435-C-A. GRCh37 (hg19) VCF-style: chr17-41246452-C-A.
Other names: c.760G>T, p.Asp254Tyr (NM_001407954.1, NM_001407955.1, NM_001407956.1 and 1 more transcripts); c.763G>T, p.Asp255Tyr (NM_001407957.1, NM_001407946.1, NM_001407947.1 and 6 more transcripts); c.715G>T, p.Asp239Tyr (NM_001407959.1, NM_001407960.1, NM_001407963.1); c.712G>T, p.Asp238Tyr (NM_001407962.1); c.952G>T, p.Asp318Tyr (NM_001407964.1, NM_001407740.1, NM_001407741.1 and 20 more transcripts); c.592G>T, p.Asp198Tyr (NM_001407965.1); c.208G>T, p.Asp70Tyr (NM_001407966.1, NM_001407967.1); c.283+309G>T (NM_001408512.1); and 40 more; short protein forms D238Y, D277Y, D299Y, D239Y, D254Y, D255Y, D295Y, D318Y.
Identifiers: ClinVar variation 3634699 (VCV003634699.2).